The following is an entry in ClinVar:

NM_012062.5(DNM1L):c.989G>A (p.Ser330Asn)

Gene: DNM1L (dynamin 1 like; plus strand). Cytogenetic location: 12p11.21.
Variant type: single nucleotide variant.
Coding change: c.989G>A on transcript NM_012062.5 (MANE Select); coding-DNA position 989, G replaced by A.
Protein change: p.Ser330Asn; replaces serine 330 with asparagine.
Molecular consequence: missense variant.
Genome position (GRCh38, 1-based): chr12:32,722,543, G>A. VCF-style: chr12-32722543-G-A. GRCh37 (hg19) VCF-style: chr12-32875477-G-A.
Other names: c.989G>A, p.Ser330Asn (NM_001278463.2, NM_005690.5, NM_012063.4); c.1028G>A, p.Ser343Asn (NM_001278464.2, NM_001278465.2, NM_001330380.2); c.380G>A, p.Ser127Asn (NM_001278466.2); short protein forms S343N, S127N, S330N.
Identifiers: ClinVar variation 2714135 (VCV002714135.3), dbSNP rs758981725, ClinGen allele CA6507445.

ClinVar aggregate classification (germline): Uncertain significance (1 of 4 stars; one submission).

Allele frequency attached by ClinVar (database versions not stated): gnomAD exomes below 0.00001; ExAC 0.00001; gnomAD 0.00001; TOPMed 0.00001.

Submission:

Labcorp Genetics (formerly Invitae), Labcorp
Classification: Uncertain significance. Last evaluated: 2025-02-09. Review status: criteria provided, single submitter. Criteria: Invitae Variant Classification Sherloc (09022015). Collection method: clinical testing. Allele origin: germline.
Comment: This sequence change replaces serine, which is neutral and polar, with asparagine, which is neutral and polar, at codon 330 of the DNM1L protein (p.Ser330Asn). This variant is present in population databases (rs758981725, gnomAD 0.0009%). This variant has not been reported in the literature in individuals affected with DNM1L-related conditions. ClinVar contains an entry for this variant (Variation ID: 2714135). An algorithm developed to predict the effect of missense changes on protein structure and function (PolyPhen-2) suggests that this variant is likely to be tolerated. In summary, the available evidence is currently insufficient to determine the role of this variant in disease. Therefore, it has been classified as a Variant of Uncertain Significance.